The following is an entry in ClinVar:

ClinVar aggregate classification (germline): Uncertain significance. Review status: criteria provided, single submitter (1 of 4 stars). 2 submissions from 2 submitters: Uncertain significance (1). 1 of the submissions does not count toward it. Last evaluated 2026-01-06.

Allele frequency attached by ClinVar (database versions not stated): gnomAD exomes 0.00001 and 0.00002; TOPMed 0.00002.
gnomAD v4.1: 33 of 1,614,002 alleles (0.002%); highest among the groups gnomAD compares: Non-Finnish European, 0.0024%; no homozygotes.

Submissions (2):

Labcorp Genetics (formerly Invitae), Labcorp
Classification: Uncertain significance. Last evaluated: 2026-01-06. Review status: criteria provided, single submitter. Criteria: Invitae Variant Classification Sherloc (09022015). Collection method: clinical testing. Allele origin: germline.
Comment: This sequence change replaces serine, which is neutral and polar, with proline, which is neutral and non-polar, at codon 480 of the PCK2 protein (p.Ser480Pro). This variant is present in population databases (no rsID available, gnomAD 0.003%). This variant has not been reported in the literature in individuals affected with PCK2-related conditions. ClinVar contains an entry for this variant (Variation ID: 559140). Invitae Evidence Modeling of protein sequence and biophysical properties (such as structural, functional, and spatial information, amino acid conservation, physicochemical variation, residue mobility, and thermodynamic stability) indicates that this missense variant is expected to disrupt PCK2 protein function with a positive predictive value of 80%. In summary, the available evidence is currently insufficient to determine the role of this variant in disease. Therefore, it has been classified as a Variant of Uncertain Significance.

Mayo Clinic Laboratories, Mayo Clinic
Classification: Uncertain significance. Last evaluated: 2016-03-07. Review status: no assertion criteria provided. Collection method: clinical testing. Allele origin: unknown. Not counted in ClinVar's aggregate classification.

NM_004563.4(PCK2):c.1438T>C (p.Ser480Pro)

Genes: NRL (neural retina leucine zipper; minus strand), PCK2 (phosphoenolpyruvate carboxykinase 2, mitochondrial; plus strand). Cytogenetic location: 14q12.
Variant type: single nucleotide variant.
Coding change: c.1438T>C on transcript NM_004563.4 (MANE Select); coding-DNA position 1438, T replaced by C.
Protein change: p.Ser480Pro; replaces serine 480 with proline.
Molecular consequence: missense variant. On other transcripts: intron variant (3).
Genome position (GRCh38, 1-based): chr14:24,103,225, T>C. VCF-style: chr14-24103225-T-C. GRCh37 (hg19) VCF-style: chr14-24572434-T-C.
Other names: c.1036T>C, p.Ser346Pro (NM_001291556.2, NM_001308054.2); c.-28+11497A>G (NM_001354768.3, NM_001354770.2); c.-254+11497A>G (NM_006177.5); short protein forms S480P, S346P.
Identifiers: ClinVar variation 559140 (VCV000559140.7), dbSNP rs1158229809, ClinGen allele CA389205548.